The following is an entry in ClinVar:

NM_004453.4(ETFDH):c.152G>T (p.Arg51Leu)

Gene: ETFDH (electron transfer flavoprotein dehydrogenase; plus strand). Cytogenetic location: 4q32.1.
Variant type: single nucleotide variant.
Coding change: c.152G>T on transcript NM_004453.4 (MANE Select); coding-DNA position 152, G replaced by T.
Protein change: p.Arg51Leu; replaces arginine 51 with leucine.
Molecular consequence: missense variant. On other transcripts: intron variant (1).
Genome position (GRCh38, 1-based): chr4:158,680,584, G>T. VCF-style: chr4-158680584-G-T. GRCh37 (hg19) VCF-style: chr4-159601736-G-T.
Other names: c.35-1611G>T (NM_001281737.2); short protein forms R51L.
Identifiers: ClinVar variation 1465541 (VCV001465541.6), dbSNP rs534388496, ClinGen allele CA358573535.
Genomic context (GRCh38, chr4:158,680,584, plus strand): 5'-CAAGATGGTCTTCAACTTCTACTGTGCCTCGAATTACTACCCATTATACTATTTATCCCC[G>T]GGATAAGGACAAGAGATGGGAAGGTAAGTAATAATTTGTGTACAATTCCTGAGACTTTTC-3'
Protein context (NP_004444.2, residues 41-61): RITTHYTIYP[Arg51Leu]DKDKRWEGVN

ClinVar aggregate classification (germline): Likely pathogenic (1 of 4 stars; one submission).

Conditions:
Multiple acyl-CoA dehydrogenase deficiency (MADD). Also called: Glutaric acidemia type II; GA 2; Glutaric aciduria, type 2; ETHYLMALONIC-ADIPICACIDURIA; GA II; Glutaric Acidemia type 2. Identifiers: Orphanet 26791, MedGen C0268596, MONDO:0009282, OMIM 231680.

gnomAD v4.1: 2 of 1,610,398 alleles (0.00012%); highest among the groups gnomAD compares: East Asian, 0.0022%; no homozygotes.

Submission:

Labcorp Genetics (formerly Invitae), Labcorp
Classification: Likely pathogenic for Multiple acyl-CoA dehydrogenase deficiency. Last evaluated: 2023-04-24. Review status: criteria provided, single submitter. Criteria: Invitae Variant Classification Sherloc (09022015). Collection method: clinical testing. Allele origin: germline.
Comment: In summary, the currently available evidence indicates that the variant is pathogenic, but additional data are needed to prove that conclusively. Therefore, this variant has been classified as Likely Pathogenic. This variant has not been reported in the literature in individuals affected with ETFDH-related conditions. ClinVar contains an entry for this variant (Variation ID: 1465541). Advanced modeling of protein sequence and biophysical properties (such as structural, functional, and spatial information, amino acid conservation, physicochemical variation, residue mobility, and thermodynamic stability) performed at Invitae indicates that this missense variant is expected to disrupt ETFDH protein function. This variant disrupts the p.Arg51 amino acid residue in ETFDH. Other variant(s) that disrupt this residue have been determined to be pathogenic (Invitae). This suggests that this residue is clinically significant, and that variants that disrupt this residue are likely to be disease-causing. This sequence change replaces arginine, which is basic and polar, with leucine, which is neutral and non-polar, at codon 51 of the ETFDH protein (p.Arg51Leu). This variant is present in population databases (no rsID available, gnomAD 0.005%).